The following is an entry in ClinVar:

ClinVar aggregate classification (germline): Likely benign (1 of 4 stars; one submission).

Allele frequency attached by ClinVar (database versions not stated): TOPMed 0.00001; gnomAD 0.00001.
gnomAD v4.1: 1 of 1,613,244 alleles (0.000062%); highest among the groups gnomAD compares: African/African-American, 0.0013%; no homozygotes.

Submission:

GeneDx
Classification: Likely benign. Last evaluated: 2017-11-27. Review status: criteria provided, single submitter. Criteria: GeneDx Variant Classification (06012015). Collection method: clinical testing. Allele origin: germline. Affected: yes.
Comment: This variant is considered likely benign or benign based on one or more of the following criteria: it is a conservative change, it occurs at a poorly conserved position in the protein, it is predicted to be benign by multiple in silico algorithms, and/or has population frequency not consistent with disease.

NM_000548.5(TSC2):c.-29-18C>T

Gene: TSC2 (TSC complex subunit 2; plus strand). Cytogenetic location: 16p13.3.
Variant type: single nucleotide variant.
Coding change: c.-29-18C>T on transcript NM_000548.5 (MANE Select); 18 bases into the intron before 29 bases upstream of the start codon, C replaced by T.
Molecular consequence: intron variant.
Genome position (GRCh38, 1-based): chr16:2,048,569, C>T. VCF-style: chr16-2048569-C-T. GRCh37 (hg19) VCF-style: chr16-2098570-C-T.
Other names: c.-29-18C>T (NM_001114382.3, NM_021055.3, NM_001370405.1 and 4 more transcripts); c.-255-18C>T (NM_001318831.2); c.-10+504C>T (NM_001318829.2); c.5-18C>T (NM_001318832.2).
Identifiers: ClinVar variation 513656 (VCV000513656.1), dbSNP rs1319033169, ClinGen allele CA658798463.